The following continues an entry in ClinVar:

NM_000041.4(APOE):c.388T>C (p.Cys130Arg)

Gene: APOE. ClinVar aggregate classification (germline): Conflicting classifications of pathogenicity; other; risk factor. Pathogenic (2); Likely pathogenic (2); Likely risk allele (1); Uncertain significance (5); Benign (1); Likely benign (1).

Submissions 18 to 19 of 19:

Department of Pathology and Laboratory Medicine, Sinai Health System
Classification: Established risk allele for Alzheimer disease 2. Review status: no assertion criteria provided. Collection method: clinical testing. Allele origin: unknown. Affected: yes. Study: The Canadian Open Genetics Repository (COGR). Not counted in ClinVar's aggregate classification.
Comment: The variant APOE c.388T>C (p.Cys130Arg) was identified in dsSNP (ID: rs429358) and Clinvar (classified as pathogenic by OMIM). Farrer et al. reported in a meta-analysis (5930 patients who met the criteria for Alzheimer disease (AD), and 8607 controls) that the p.Cys130Arg variant (also known as the e4 variant) represented a major risk factor for AD, with the risk of AD significantly increased among Caucasian subjects with genotypes e2/e4 (OR=2.6, 95% CI=1.6-4.0), e3/e4 (OR=3.2, 95% CI=2.8-3.8), and e4/e4 (OR=14.9, 95% CI 10.8-20.6). The association between p.Cys130Arg and AD was stronger in Japanese subjects with genotypes e3/e4 (OR=5.6, 95% CI 3.0-8.0) and e4/e4 (OR=33.1, 95% CI=13.6-80.5) (Farrer_1997_9343467). Another study using data from 1968 African American patients with Late-Onset Alzheimer Disease (LOAD) and 3928 control patients showed that SNPs such as p.Cys130Arg in the APOE region were significant for association with LOAD (P = 5.5 × 10–47) (Reitz_2013_ 23571587). In addition, another study involving 45 patients with AD and 53 controls of Ashkenazi Jewish ancestry observed an association signal for AD risk for the variant p.Cys130Arg (P =1.02×E−08, OR=0.6, 95% CI: 4.20–26.8) (Freudenberg-Hua_2016_27260402). In vivo and in vitro functional studies also provide evidence that the p.Cys130Arg variant may have an effect on increased amyloid beta accumulation, neurotoxicity, and neuritic dystrophy (Youmans_2012_23060451, Liu_2014_29216449). The variant was identified in control databases in 28,637 of 200,920 chromosomes (2,091 homozygous) at a frequency of 14.2529%, and was observed at the highest frequency in the European-Non Finnish (NFE) population in 12,460 of 83,842 chromosomes (freq: 14.8613%) (Genome Aggregation Database March 6, 2019, v2.1.1). The p.Cys130Arg residue is conserved in mammals and computational analyses (MUT Assesor, PolyPhen-2, SIFT, MutationTaster, Revel, FATHMM, MetaLR, DANN) do not suggest a high likelihood of impact to the protein; this information is not predictive enough to rule out pathogenicity. The variant occurs outside of the splicing consensus sequence and in silico or computational prediction software programs (Splice AI exome) do not predict a deleterious effect on splicing. In summary, based on the above information the clinical significance of this variant cannot be determined with certainty at this time. This variant is classified as a variant of uncertain significance. However, this variant may act as a risk factor for Alzheimer's Disease.

Department of Pathology and Laboratory Medicine, Sinai Health System
Classification: Established risk allele for Alzheimer's Disease. Review status: no assertion criteria provided. Collection method: research. Allele origin: unknown. Not counted in ClinVar's aggregate classification.
Comment: the same text as in the submission from Department of Pathology and Laboratory Medicine, Sinai Health System above.

Literature cited by the submitters: PubMed 15326261 (cited by 3billion and OMIM); PubMed 15184602 (cited by 3billion and OMIM); PubMed 10213549 (cited by 3billion and OMIM); PubMed 26312828 (cited by OLLIN Analises Genomicas, OLLIN); PubMed 20301340 (cited by OLLIN Analises Genomicas, OLLIN); PubMed 8294487 (cited by AiLife Diagnostics); PubMed 3353383 (cited by AiLife Diagnostics); PubMed 18338393 (cited by AiLife Diagnostics); PubMed 15146461 (cited by AiLife Diagnostics); PubMed 18979180 (cited by AiLife Diagnostics); PubMed 18987351 (cited by AiLife Diagnostics); PubMed 19846850 (cited by AiLife Diagnostics); PubMed 21742527 (cited by AiLife Diagnostics); PubMed 29842932 (cited by AiLife Diagnostics); PubMed 9343467 (cited by Laboratory for Molecular Medicine, Mass General Brigham Personalized Medicine); PubMed 19605830 (cited by Laboratory for Molecular Medicine, Mass General Brigham Personalized Medicine); PubMed 23571587 (cited by Laboratory for Molecular Medicine, Mass General Brigham Personalized Medicine); PubMed 22381401 (cited by Laboratory for Molecular Medicine, Mass General Brigham Personalized Medicine); PubMed 27260402 (cited by Laboratory for Molecular Medicine, Mass General Brigham Personalized Medicine); PubMed 23060451 (cited by Laboratory for Molecular Medicine, Mass General Brigham Personalized Medicine); PubMed 23296339 (cited by Laboratory for Molecular Medicine, Mass General Brigham Personalized Medicine); PubMed 10799751 (cited by Laboratory for Molecular Medicine, Mass General Brigham Personalized Medicine); PubMed 7263700 (cited by OMIM); PubMed 3922972 (cited by OMIM); PubMed 2987927 (cited by OMIM); PubMed 8350998 (cited by OMIM); PubMed 8346443 (cited by OMIM); PubMed 8618665 (cited by OMIM); PubMed 8644717 (cited by OMIM); PubMed 11835377 (cited by OMIM); PubMed 15557508 (cited by OMIM); PubMed 15668424 (cited by OMIM); PubMed 15048896 (cited by OMIM); PubMed 14741101 (cited by OMIM); PubMed 9932938 (cited by OMIM); PubMed 11940706 (cited by OMIM); PubMed 11940689 (cited by OMIM); PubMed 32376954 (cited by OMIM).